The following is an entry in ClinVar:

ClinVar aggregate classification (germline): Uncertain significance. Review status: criteria provided, multiple submitters, no conflicts (2 of 4 stars). 2 submissions from 2 submitters: Uncertain significance (2). Last evaluated 2024-05-29.

Conditions:
DLG3-related disorder. Also called: DLG3-related condition.

Allele frequency attached by ClinVar (database versions not stated): gnomAD exomes below 0.00001; gnomAD 0.00001; TOPMed 0.00001.
gnomAD v4.1: 5 of 1,201,918 alleles (0.00042%); highest among the groups gnomAD compares: Non-Finnish European, 0.00056%; no homozygotes.

Submissions (2):

GeneDx
Classification: Uncertain significance. Last evaluated: 2024-05-29. Review status: criteria provided, single submitter. Criteria: GeneDx Variant Classification Process June 2021. Collection method: clinical testing. Allele origin: germline. Affected: yes.
Comment: Not observed at significant frequency in large population cohorts (gnomAD); In silico analysis supports that this missense variant has a deleterious effect on protein structure/function; Has not been previously published as pathogenic or benign to our knowledge

PreventionGenetics, part of Exact Sciences
Classification: Uncertain significance for DLG3-related condition. Last evaluated: 2023-01-13. Review status: criteria provided, single submitter. Criteria: ACMG Guidelines, 2015. Collection method: clinical testing. Allele origin: germline.
Comment: The DLG3 c.2354T>C variant is predicted to result in the amino acid substitution p.Val785Ala. To our knowledge, this variant has not been reported in the literature or in a large population database, indicating this variant is rare. At this time, the clinical significance of this variant is uncertain due to the absence of conclusive functional and genetic evidence.

NM_021120.4(DLG3):c.2354T>C (p.Val785Ala)

Gene: DLG3 (discs large MAGUK scaffold protein 3; plus strand). Cytogenetic location: Xq13.1.
Variant type: single nucleotide variant.
Coding change: c.2354T>C on transcript NM_021120.4 (MANE Select); coding-DNA position 2354, T replaced by C.
Protein change: p.Val785Ala; replaces valine 785 with alanine.
Molecular consequence: missense variant.
Genome position (GRCh38, 1-based): chrX:70,502,169, T>C. VCF-style: chrX-70502169-T-C. GRCh37 (hg19) VCF-style: chrX-69722019-T-C.
Other names: c.1001T>C, p.Val334Ala (NM_001166278.2); c.1439T>C, p.Val480Ala (NM_020730.3); c.2354T>C (NM_021120.3); short protein forms V334A, V480A, V785A.
Identifiers: ClinVar variation 1684120 (VCV001684120.4), dbSNP rs2087576962, ClinGen allele CA413461582.